The following is an entry in ClinVar:

NM_138576.4(BCL11B):c.1922_1939del (p.Gly641_Gly646del)

Gene: BCL11B (BCL11 transcription factor B; minus strand). Cytogenetic location: 14q32.2.
Variant type: Deletion.
Coding change: c.1922_1939del on transcript NM_138576.4 (MANE Select); coding-DNA positions 1922 to 1939, 18 bases deleted (GCTGCGGGGACGCGGGCG).
Protein change: p.Gly641_Gly646del.
Molecular consequence: inframe deletion.
Genome position (GRCh38, 1-based): chr14:99,174,897-99,174,914, CGCCCGCGTCCCCGCAGC deleted on the plus strand (GCTGCGGGGACGCGGGCG on the coding strand, the reverse complement: BCL11B is on the minus strand); deleting any 18 consecutive bases within chr14:99,174,897-99,174,924 gives the same sequence; the c. name uses the placement nearest the transcript's 3' end. VCF-style (leftmost placement, unchanged base first): chr14-99174896-GCGCCCGCGTCCCCGCAGC-G. GRCh37 (hg19) VCF-style: chr14-99641233-GCGCCCGCGTCCCCGCAGC-G.
Other names: c.1919_1936del, p.Gly640_Gly645del (NM_001282237.2); c.1706_1723del, p.Gly569_Gly574del (NM_001282238.2); c.1709_1726del, p.Gly570_Gly575del (NM_022898.3).
Identifiers: ClinVar variation 2074297 (VCV002074297.4), dbSNP rs1356809517, ClinGen allele CA616578058.

ClinVar aggregate classification (germline): Uncertain significance (1 of 4 stars; one submission).

Submission:

Labcorp Genetics (formerly Invitae), Labcorp
Classification: Uncertain significance. Last evaluated: 2022-11-08. Review status: criteria provided, single submitter. Criteria: Invitae Variant Classification Sherloc (09022015). Collection method: clinical testing. Allele origin: germline.
Comment: In summary, the available evidence is currently insufficient to determine the role of this variant in disease. Therefore, it has been classified as a Variant of Uncertain Significance. Experimental studies and prediction algorithms are not available or were not evaluated, and the functional significance of this variant is currently unknown. This variant has not been reported in the literature in individuals affected with BCL11B-related conditions. This variant is present in population databases (no rsID available, gnomAD 0.01%). This variant, c.1922_1939del, results in the deletion of 6 amino acid(s) of the BCL11B protein (p.Gly641_Gly646del), but otherwise preserves the integrity of the reading frame.